The following is an entry in ClinVar:

NM_001371928.1(AHDC1):c.472C>T (p.Pro158Ser)

Gene: AHDC1 (AT-hook DNA binding motif containing 1; minus strand). Cytogenetic location: 1p36.11.
Variant type: single nucleotide variant.
Coding change: c.472C>T on transcript NM_001371928.1 (MANE Select); coding-DNA position 472, C replaced by T.
Protein change: p.Pro158Ser; replaces proline 158 with serine.
Molecular consequence: missense variant.
Genome position (GRCh38, 1-based): chr1:27,551,644, G>A on the plus strand (C>T on the coding strand, the complement: AHDC1 is on the minus strand). VCF-style: chr1-27551644-G-A. GRCh37 (hg19) VCF-style: chr1-27878155-G-A.
Other names: c.472C>T, p.Pro158Ser (NM_001029882.3); short protein forms P158S.
Identifiers: ClinVar variation 2842669 (VCV002842669.3), dbSNP rs2522088302, ClinGen allele CA339237090.
Genomic context (GRCh38, chr1:27,551,644, plus strand): 5'-GGATGCTGTTGGCCAAACTGGGTGAGGAGAAGAAGCTGTACTGTAGGTCGCCGGGTGGCG[G>A]TGCAGGCGGGCGGCTCAGTCGGAGCCCACCACAGTCCAGGTGTACACCACTGTGCTGCAG-3'
Protein context (NP_001358857.1, residues 148-168): GGLRLSRPPA[Pro158Ser]PPGDLQYSFF

ClinVar aggregate classification (germline): Uncertain significance (1 of 4 stars; one submission).

Submission:

Labcorp Genetics (formerly Invitae), Labcorp
Classification: Uncertain significance. Last evaluated: 2023-04-30. Review status: criteria provided, single submitter. Criteria: Invitae Variant Classification Sherloc (09022015). Collection method: clinical testing. Allele origin: germline.
Comment: In summary, the available evidence is currently insufficient to determine the role of this variant in disease. Therefore, it has been classified as a Variant of Uncertain Significance. An algorithm developed to predict the effect of missense changes on protein structure and function (PolyPhen-2) suggests that this variant is likely to be disruptive. This variant has not been reported in the literature in individuals affected with AHDC1-related conditions. This variant is not present in population databases (gnomAD no frequency). This sequence change replaces proline, which is neutral and non-polar, with serine, which is neutral and polar, at codon 158 of the AHDC1 protein (p.Pro158Ser).